The following is an entry in ClinVar:

ClinVar aggregate classification (germline): Uncertain significance. Review status: criteria provided, multiple submitters, no conflicts (2 of 4 stars). 2 submissions from 2 submitters: Uncertain significance (2). Last evaluated 2024-12-25.

Conditions:
Epileptic encephalopathy. Identifiers: MedGen C0543888, HP:0200134.

Allele frequency attached by ClinVar (database versions not stated): gnomAD exomes 0.00001; ExAC 0.00002; gnomAD 0.00003 and 0.00004; TOPMed 0.00003.
gnomAD v4.1: 51 of 1,613,728 alleles (0.0032%); highest among the groups gnomAD compares: Non-Finnish European, 0.0036%; no homozygotes.

Submissions (2):

Ambry Genetics
Classification: Uncertain significance. Last evaluated: 2024-12-25. Review status: criteria provided, single submitter. Criteria: Ambry Variant Classification Scheme 2023. Collection method: clinical testing. Allele origin: germline.

Labcorp Genetics (formerly Invitae), Labcorp
Classification: Uncertain significance for Epileptic encephalopathy. Last evaluated: 2022-08-23. Review status: criteria provided, single submitter. Criteria: Invitae Variant Classification Sherloc (09022015). Collection method: clinical testing. Allele origin: germline.
Comment: In summary, the available evidence is currently insufficient to determine the role of this variant in disease. Therefore, it has been classified as a Variant of Uncertain Significance. Algorithms developed to predict the effect of missense changes on protein structure and function (SIFT, PolyPhen-2, Align-GVGD) all suggest that this variant is likely to be tolerated. ClinVar contains an entry for this variant (Variation ID: 1062009). This variant has not been reported in the literature in individuals affected with RYR3-related conditions. This variant is present in population databases (rs762199883, gnomAD 0.004%). This sequence change replaces aspartic acid, which is acidic and polar, with asparagine, which is neutral and polar, at codon 3116 of the RYR3 protein (p.Asp3116Asn).

NM_001036.6(RYR3):c.9346G>A (p.Asp3116Asn)

Gene: RYR3 (ryanodine receptor 3; plus strand). Cytogenetic location: 15q14.
Variant type: single nucleotide variant.
Coding change: c.9346G>A on transcript NM_001036.6 (MANE Select); coding-DNA position 9346, G replaced by A.
Protein change: p.Asp3116Asn; replaces aspartic acid 3116 with asparagine.
Molecular consequence: missense variant.
Genome position (GRCh38, 1-based): chr15:33,785,739, G>A. VCF-style: chr15-33785739-G-A. GRCh37 (hg19) VCF-style: chr15-34077940-G-A.
Other names: c.9346G>A (NM_001036.3); c.9346G>A, p.Asp3116Asn (NM_001243996.4); short protein forms D3116N.
Identifiers: ClinVar variation 1062009 (VCV001062009.10), dbSNP rs762199883, ClinGen allele CA7460499.